The following is an entry in ClinVar:

NM_152296.5(ATP1A3):c.775C>T (p.Arg259Cys)

Gene: ATP1A3 (ATPase Na+/K+ transporting subunit alpha 3; minus strand). Cytogenetic location: 19q13.2.
Variant type: single nucleotide variant.
Coding change: c.775C>T on transcript NM_152296.5 (MANE Select); coding-DNA position 775, C replaced by T.
Protein change: p.Arg259Cys; replaces arginine 259 with cysteine.
Molecular consequence: missense variant.
Genome position (GRCh38, 1-based): chr19:41,985,136, G>A on the plus strand (C>T on the coding strand, the complement: ATP1A3 is on the minus strand). VCF-style: chr19-41985136-G-A. GRCh37 (hg19) VCF-style: chr19-42489288-G-A.
Other names: c.808C>T, p.Arg270Cys (NM_001256213.2); c.814C>T, p.Arg272Cys (NM_001256214.2); c.814C>T (NM_001256214.1); short protein forms R259C, R270C, R272C.
Identifiers: ClinVar variation 1437123 (VCV001437123.7), dbSNP rs2145978147, ClinGen allele CA406053186.

ClinVar aggregate classification (germline): Uncertain significance. Review status: criteria provided, multiple submitters, no conflicts (2 of 4 stars). 2 submissions from 2 submitters: Uncertain significance (2). Last evaluated 2025-12-04.

Conditions:
Dystonia 12 (DYT12). Also called: Rapid-Onset Dystonia-Parkinsonism (RDP); DYT-ATP1A3. Identifiers: Orphanet 71517, MedGen C1868681, MONDO:0007496, OMIM 128235.
ATP1A3-related disorder. Also called: ATP1A3-related disorders; ATP1A3-related condition. Identifiers: MedGen CN381097.

Submissions (2):

PreventionGenetics, part of Exact Sciences
Classification: Uncertain significance for ATP1A3-related condition. Last evaluated: 2025-12-04. Review status: criteria provided, single submitter. Criteria: ACMG Guidelines, 2015. Collection method: clinical testing. Allele origin: germline.
Comment: The ATP1A3 c.814C>T variant is predicted to result in the amino acid substitution p.Arg272Cys. To our knowledge, this variant has not been reported in the literature or in a large population database (gnomAD), indicating this variant is rare. At this time, the clinical significance of this variant is uncertain due to the absence of conclusive functional and genetic evidence.

Labcorp Genetics (formerly Invitae), Labcorp
Classification: Uncertain significance for Dystonia 12. Last evaluated: 2023-10-25. Review status: criteria provided, single submitter. Criteria: Invitae Variant Classification Sherloc (09022015). Collection method: clinical testing. Allele origin: germline.
Comment: This sequence change replaces arginine, which is basic and polar, with cysteine, which is neutral and slightly polar, at codon 259 of the ATP1A3 protein (p.Arg259Cys). This variant is not present in population databases (gnomAD no frequency). This variant has not been reported in the literature in individuals affected with ATP1A3-related conditions. ClinVar contains an entry for this variant (Variation ID: 1437123). Advanced modeling of protein sequence and biophysical properties (such as structural, functional, and spatial information, amino acid conservation, physicochemical variation, residue mobility, and thermodynamic stability) performed at Invitae indicates that this missense variant is expected to disrupt ATP1A3 protein function with a positive predictive value of 95%. In summary, the available evidence is currently insufficient to determine the role of this variant in disease. Therefore, it has been classified as a Variant of Uncertain Significance.